The following is an entry in ClinVar:

ClinVar aggregate classification (germline): Uncertain significance. Review status: criteria provided, multiple submitters, no conflicts (2 of 4 stars). 2 submissions from 2 submitters: Uncertain significance (2). Last evaluated 2026-01-07.

Conditions:
CREBBP-related disorder. Also called: CREBBP-related disorders; CREBBP-related condition.
Rubinstein-Taybi syndrome due to CREBBP mutations (RSTS1). Also called: BROAD THUMB-HALLUX SYNDROME; RUBINSTEIN-TAYBI SYNDROME 1, INCOMPLETE; Rubinstein-Taybi syndrome 1; CREBBP-Related Rubinstein-Taybi Syndrome; BROAD THUMBS AND GREAT TOES, CHARACTERISTIC FACIES, AND IMPAIRED INTELLECTUAL DEVELOPMENT; RUBINSTEIN SYNDROME. Identifiers: Orphanet 353277, Orphanet 783, MedGen C4551859, MONDO:0008393, OMIM 180849.

Allele frequency attached by ClinVar (database versions not stated): gnomAD exomes below 0.00001; TOPMed 0.00001.
gnomAD v4.1: 1 of 1,614,262 alleles (0.000062%); highest among the groups gnomAD compares: Admixed American, 0.0017%; no homozygotes.

Submissions (2):

PreventionGenetics, part of Exact Sciences
Classification: Uncertain significance for CREBBP-related condition. Last evaluated: 2026-01-07. Review status: criteria provided, single submitter. Criteria: ACMG Guidelines, 2015. Collection method: clinical testing. Allele origin: germline.
Comment: The CREBBP c.3227C>T variant is predicted to result in the amino acid substitution p.Ser1076Phe. To our knowledge, this variant has not been reported in the literature. This variant is reported in 0.0029% of alleles in individuals of Latino descent in gnomAD. At this time, the clinical significance of this variant is uncertain due to the absence of conclusive functional and genetic evidence.

Baylor Genetics
Classification: Uncertain significance for Rubinstein-Taybi syndrome due to CREBBP mutations. Last evaluated: 2019-07-10. Review status: criteria provided, single submitter. Criteria: ACMG Guidelines, 2015. Collection method: clinical testing. Allele origin: unknown. Affected: yes.
Comment: This variant was determined to be of uncertain significance according to ACMG Guidelines, 2015 [PMID:25741868].

NM_004380.3(CREBBP):c.3227C>T (p.Ser1076Phe)

Gene: CREBBP (CREB binding lysine acetyltransferase; minus strand). Cytogenetic location: 16p13.3.
Variant type: single nucleotide variant.
Coding change: c.3227C>T on transcript NM_004380.3 (MANE Select); coding-DNA position 3227, C replaced by T.
Protein change: p.Ser1076Phe; replaces serine 1076 with phenylalanine.
Molecular consequence: missense variant.
Genome position (GRCh38, 1-based): chr16:3,767,743, G>A on the plus strand (C>T on the coding strand, the complement: CREBBP is on the minus strand). VCF-style: chr16-3767743-G-A. GRCh37 (hg19) VCF-style: chr16-3817744-G-A.
Other names: c.3113C>T, p.Ser1038Phe (NM_001079846.1); short protein forms S1038F, S1076F.
Identifiers: ClinVar variation 1029836 (VCV001029836.2), dbSNP rs1476678901, ClinGen allele CA394570431.
Genomic context (GRCh38, chr16:3,767,743, plus strand): 5'-CAGCATGCTTTAATAAGGTAATGAATAAATGGCCTACTTTTTTTGCGCGGCTGCGAAGGA[G>A]ATGTTGACTGAGAGGCTGTGCCGTTACTGCTACTCTCTTCTTCCTCTTTAACTTCTACTT-3'
Protein context (NP_004371.2, residues 1066-1086): SSNGTASQST[Ser1076Phe]PSQPRKKIFK